The following is an entry in ClinVar:

NM_000260.4(MYO7A):c.991_1000dup (p.Glu334delinsAlaAlaValTer)

Gene: MYO7A (myosin VIIA; plus strand). Cytogenetic location: 11q13.5.
Variant type: Duplication.
Coding change: c.991_1000dup on transcript NM_000260.4 (MANE Select); coding-DNA positions 991 to 1000, 10 bases duplicated (CTGCAGTATG; older notation c.991_1000dupCTGCAGTATG).
Protein change: p.Glu334delinsAlaAlaValTer.
Molecular consequence: nonsense.
Genome position (GRCh38, 1-based): chr11:77,158,418-77,158,427, CTGCAGTATG duplicated. VCF-style (leftmost placement, unchanged base first): chr11-77158417-C-CCTGCAGTATG. GRCh37 (hg19) VCF-style: chr11-76869463-C-CCTGCAGTATG.
Other names: c.991_1000dup, p.Glu334delinsAlaAlaValTer (NM_001127180.2); c.958_967dup, p.Glu323delinsAlaAlaValTer (NM_001369365.1).
Identifiers: ClinVar variation 5012898 (VCV005012898.1).

ClinVar aggregate classification (germline): Pathogenic (1 of 4 stars; one submission).

Conditions:
Usher syndrome type 1 (USH1). Also called: RETINITIS PIGMENTOSA AND CONGENITAL DEAFNESS. Identifiers: Orphanet 231169, Orphanet 886, MedGen C1568247, MONDO:0010168, OMIM 276900.

Submission:

Myriad Genetics, Inc.
Classification: Pathogenic for Usher syndrome type 1. Last evaluated: 2024-04-06. Review status: criteria provided, single submitter. Criteria: Myriad Autosomal Dominant, Autosomal Recessive and X-Linked Classification Criteria (2023). Collection method: clinical testing. Allele origin: unknown.
Comment: NM_000260.3(MYO7A):c.991_1000dup10(E334Afs*4) is expected to be pathogenic in the context of MYO7A-related disorders. This variant is predicted to lead to an abnormal or absent protein product due to the creation of a premature termination codon in MYO7A, a gene where loss-of-function variants are known to be pathogenic. Please note: this variant was assessed in the context of healthy population screening.